The following is an entry in ClinVar:

ClinVar aggregate classification (germline): Uncertain significance (1 of 4 stars; one submission).

Conditions:
Biotinidase deficiency. Also called: Biotin deficiency; BTD deficiency; Late-onset biotin-responsive multiple carboxylase deficiency. Identifiers: Orphanet 79241, MedGen C0220754, MONDO:0009665, OMIM 253260.

Submission:

Labcorp Genetics (formerly Invitae), Labcorp
Classification: Uncertain significance for Biotinidase deficiency. Last evaluated: 2020-07-09. Review status: criteria provided, single submitter. Criteria: Invitae Variant Classification Sherloc (09022015). Collection method: clinical testing. Allele origin: germline.
Comment: In summary, the available evidence is currently insufficient to determine the role of this variant in disease. Therefore, it has been classified as a Variant of Uncertain Significance. This sequence change replaces leucine with isoleucine at codon 506 of the BTD protein (p.Leu506Ile). The leucine residue is highly conserved and there is a small physicochemical difference between leucine and isoleucine. This variant is not present in population databases (ExAC no frequency). This variant has not been reported in the literature in individuals with BTD-related conditions. Algorithms developed to predict the effect of missense changes on protein structure and function are either unavailable or do not agree on the potential impact of this missense change (SIFT: "Tolerated"; PolyPhen-2: "Possibly Damaging"; Align-GVGD: "Class C0").

NM_001370658.1(BTD):c.1456C>A (p.Leu486Ile)

Gene: BTD (biotinidase; plus strand). Cytogenetic location: 3p25.1.
Variant type: single nucleotide variant.
Coding change: c.1456C>A on transcript NM_001370658.1 (MANE Select); coding-DNA position 1456, C replaced by A.
Protein change: p.Leu486Ile; replaces leucine 486 with isoleucine.
Molecular consequence: missense variant. On other transcripts: intron variant (2).
Genome position (GRCh38, 1-based): chr3:15,645,372, C>A. VCF-style: chr3-15645372-C-A. GRCh37 (hg19) VCF-style: chr3-15686879-C-A.
Other names: c.1516C>A, p.Leu506Ile (NM_000060.4); c.1456C>A, p.Leu486Ile (NM_001281723.4, NM_001281724.3, NM_001281725.3 and 16 more transcripts); c.1015+441C>A (NM_001370752.1); c.399+3315C>A (NM_001370753.1); short protein forms L486I, L506I.
Identifiers: ClinVar variation 1010740 (VCV001010740.10), dbSNP rs774018881, ClinGen allele CA351962362.